The following is an entry in ClinVar:

ClinVar aggregate classification (germline): Conflicting classifications of pathogenicity. Review status: criteria provided, conflicting classifications (1 of 4 stars). 10 submissions from 10 submitters: Uncertain significance (6); Benign (1); Likely benign (3). Last evaluated 2026-04-13.

Conditions:
MYO15A-related disorder. Also called: MYO15A-related condition.
Autosomal recessive nonsyndromic hearing loss 3. Also called: NEUROSENSORY NONSYNDROMIC RECESSIVE DEAFNESS 3. Identifiers: Orphanet 90636, MedGen C1838263, MONDO:0010860, OMIM 600316.

Allele frequency attached by ClinVar (database versions not stated): 1000 Genomes Project 30x 0.00016; 1000 Genomes Project 0.00020; ESP Exome Variant Server 0.00062; gnomAD 0.00063; ExAC 0.00082; TOPMed 0.00082; gnomAD exomes 0.00084.
gnomAD v4.1: 1,357 of 1,612,292 alleles (0.084%); highest among the groups gnomAD compares: South Asian, 0.24%; 2 homozygotes.

Submissions (10):

PreventionGenetics, part of Exact Sciences
Classification: Likely benign for MYO15A-related condition. Last evaluated: 2026-04-13. Review status: criteria provided, single submitter. Criteria: ACMG Guidelines, 2015. Collection method: clinical testing. Allele origin: germline.
Comment: This variant is classified as likely benign based on ACMG/AMP sequence variant interpretation guidelines (Richards et al. 2015 PMID: 25741868, with internal and published modifications).

Labcorp Genetics (formerly Invitae), Labcorp
Classification: Benign. Last evaluated: 2026-02-01. Review status: criteria provided, single submitter. Criteria: Invitae Variant Classification Sherloc (09022015). Collection method: clinical testing. Allele origin: germline.

CeGaT Center for Human Genetics Tuebingen
Classification: Likely benign. Last evaluated: 2025-11-01. Review status: criteria provided, single submitter. Criteria: CeGaT Center For Human Genetics Tuebingen Variant Classification Criteria Version 2. Collection method: clinical testing. Allele origin: germline. Affected: yes. Observed: 1 variant allele.
Comment: MYO15A: BS2

GeneDx
Classification: Uncertain significance. Last evaluated: 2025-05-21. Review status: criteria provided, single submitter. Criteria: GeneDx Variant Classification Process June 2021. Collection method: clinical testing. Allele origin: germline. Affected: yes.
Comment: Identified with a second MYO15A variant via carrier screening of parents with two affected children with hearing impairment, as well as Van Maldergem syndrome and co-occurring FAT4 variants (PMID: 37551355); In silico analysis supports that this missense variant has a deleterious effect on protein structure/function; This variant is associated with the following publications: (PMID: 36703223, 39038432, 37551355)

Blueprint Genetics
Classification: Likely benign. Last evaluated: 2024-11-13. Review status: criteria provided, single submitter. Criteria: ACMG Guidelines, 2015. Collection method: clinical testing. Allele origin: germline.

Mayo Clinic Laboratories, Mayo Clinic
Classification: Uncertain significance. Last evaluated: 2022-08-30. Review status: criteria provided, single submitter. Criteria: ACMG Guidelines, 2015. Collection method: clinical testing. Allele origin: germline. Observed: 1 variant allele.
Comment: BS1_supporting

Dubai Health Genomic Medicine Center, Dubai Health
Classification: Uncertain significance for Autosomal recessive nonsyndromic hearing loss 3. Last evaluated: 2020-11-01. Review status: criteria provided, single submitter. Criteria: ACMG Guidelines, 2015. Collection method: clinical testing. Allele origin: germline. Affected: yes.
Comment: The p.Arg1208Cys missense variant in MYO15A has not been previously reported in affected individuals but was identified in 60/30572 (0.2% 0 homozygotes) South Asian alleles and in 130/127888 (0.1% 0 homozygotes) European Non Finnish alleles in the Genome Aggregation Database (gnomAD). This allele frequency is relatively high but might still be consistent with autosomal recessive disease. Computational prediction tools and conservation analyses suggest an impact to the protein function though this information is not predictive enough to confirm pathogenicity. This variant was submitted to ClinVar as a variant of uncertain clinical significance by two other clinical laboratories (ClinVar ID: 228949). In summary additional information is needed to fully assess the clinical significance of this variant.

Laboratory for Molecular Medicine, Mass General Brigham Personalized Medicine
Classification: Uncertain significance. Last evaluated: 2018-04-11. Review status: criteria provided, single submitter. Criteria: LMM Criteria. Collection method: clinical testing. Allele origin: germline. Observed: 3 variant alleles.
Comment: Variant classified as Uncertain Significance - Favor Benign. The p.Arg1208Cys va riant in MYO15A has been previously identified by our laboratory in two individu als with hearing loss; however, a variant in trans was not identied in either of these individuals. This variant has been identified in 0.2% (60/30752) of South Asian chromosomes and 0.1% (132/126234) of European chromosomes by the Genome A ggregation Database (gnomAD; dbSNP rs201618718 ). Although this variant has been seen in the general population, its frequency is not high enough to rule out a pathogenic role. Computational prediction tools and conservation analysis do not provide strong support for or against an impac t to the protein; however, arginine at position 1208 is not conserved and severa l evolutionarily distant species carry a cysteine, raising the possibility that this change may be tolerated. In summary, while the clinical significance of the p.Arg1208Cys variant is uncertain, its lack of conservation suggests that it is more likely to be benign. ACMG/AMP Criteria applied: BP4

Baylor Genetics
Classification: Uncertain significance for Autosomal recessive nonsyndromic hearing loss 3. Last evaluated: 2018-02-08. Review status: criteria provided, single submitter. Criteria: ACMG Guidelines, 2015. Collection method: clinical testing. Allele origin: paternal. Affected: yes.
Comment: This variant was determined to be of uncertain significance according to ACMG Guidelines, 2015 [PMID:25741868].

Illumina Laboratory Services, Illumina
Classification: Uncertain significance for Autosomal recessive nonsyndromic hearing loss 3. Last evaluated: 2018-01-12. Review status: criteria provided, single submitter. Criteria: ICSL Variant Classification Criteria 13 December 2019. Collection method: clinical testing. Allele origin: germline.

NM_016239.4(MYO15A):c.3622C>T (p.Arg1208Cys)

Gene: MYO15A (myosin XVA; plus strand). Cytogenetic location: 17p11.2.
Variant type: single nucleotide variant.
Coding change: c.3622C>T on transcript NM_016239.4 (MANE Select); coding-DNA position 3622, C replaced by T.
Protein change: p.Arg1208Cys; replaces arginine 1208 with cysteine.
Molecular consequence: missense variant.
Genome position (GRCh38, 1-based): chr17:18,124,495, C>T. VCF-style: chr17-18124495-C-T. GRCh37 (hg19) VCF-style: chr17-18027809-C-T.
Other names: short protein forms R1208C.
Identifiers: ClinVar variation 228949 (VCV000228949.33), dbSNP rs201618718, ClinGen allele CA8423517.